The following is an entry in ClinVar:

ClinVar aggregate classification (germline): Likely pathogenic (1 of 4 stars; one submission).

Conditions:
Creatine transporter deficiency (CCDS1). Also called: Mental retardation , X-linked with seizures, short stature and midface hypoplasia; Mental retardation , X-linked, with creatine transport deficiency; X-linked creatine transporter deficiency; X-linked creatine deficiency syndrome; SLC6A8-Related Creatine Transporter Deficiency; CREATINE TRANSPORTER DEFECT. Identifiers: Orphanet 52503, MedGen C1845862, MONDO:0010305, OMIM 300352.

Submission:

Greenwood Genetic Center Diagnostic Laboratories, Greenwood Genetic Center
Classification: Likely pathogenic for Creatine transporter deficiency. Last evaluated: 2023-02-13. Review status: criteria provided, single submitter. Criteria: ACMG Guidelines, 2015. Collection method: clinical testing. Allele origin: somatic. Affected: yes.
Comment: PVS1, PM2

NM_005629.4(SLC6A8):c.1317_1321del (p.Arg440fs)

Gene: SLC6A8 (solute carrier family 6 member 8; plus strand). Cytogenetic location: Xq28.
Variant type: Deletion.
Coding change: c.1317_1321del on transcript NM_005629.4 (MANE Select); coding-DNA positions 1317 to 1321, 5 bases deleted (CCGTT; older notation c.1317_1321delCCGTT).
Protein change: p.Arg440fs; shifts the reading frame from arginine 440.
Molecular consequence: frameshift variant.
Genome position (GRCh38, 1-based): chrX:153,694,192-153,694,196, CCGTT deleted; deleting any 5 consecutive bases within chrX:153,694,190-153,694,196 gives the same sequence; the c. name uses the placement nearest the transcript's 3' end. VCF-style (leftmost placement, unchanged base first): chrX-153694189-CTTCCG-C. GRCh37 (hg19) VCF-style: chrX-152959644-CTTCCG-C.
Other names: c.1287_1291del, p.Arg430fs (NM_001142805.2); c.972_976del, p.Arg325fs (NM_001142806.1); short protein forms R325fs, R430fs, R440fs.
Identifiers: ClinVar variation 2505280 (VCV002505280.1), dbSNP rs2522166482, ClinGen allele CA2580612308.